The following is an entry in ClinVar:

ClinVar aggregate classification (germline): Pathogenic (1 of 4 stars; one submission).

Conditions:
Ataxia-telangiectasia syndrome (AT). Also called: ATAXIA-TELANGIECTASIA, COMPLEMENTATION GROUP A; ATAXIA-TELANGIECTASIA, FRESNO VARIANT; Ataxia-telangiectasia; Ataxia-telangiectasia, complementation group D; AT, COMPLEMENTATION GROUP C; Ataxia-telangiectasia, complementation group E. Identifiers: Orphanet 100, MedGen C0004135, MONDO:0008840, OMIM 208900.

Submission:

Labcorp Genetics (formerly Invitae), Labcorp
Classification: Pathogenic for Ataxia-telangiectasia syndrome. Last evaluated: 2025-05-27. Review status: criteria provided, single submitter. Criteria: Invitae Variant Classification Sherloc (09022015). Collection method: clinical testing. Allele origin: germline.
Comment: This sequence change replaces leucine, which is neutral and non-polar, with proline, which is neutral and non-polar, at codon 2780 of the ATM protein (p.Leu2780Pro). This variant is not present in population databases (gnomAD no frequency). This missense change has been observed in individual(s) with clinical features of ATM-related conditions (internal data). In at least one individual the data is consistent with being in trans (on the opposite chromosome) from a pathogenic variant. ClinVar contains an entry for this variant (Variation ID: 849553). Invitae Evidence Modeling of protein sequence and biophysical properties (such as structural, functional, and spatial information, amino acid conservation, physicochemical variation, residue mobility, and thermodynamic stability) indicates that this missense variant is expected to disrupt ATM protein function with a positive predictive value of 95%. For these reasons, this variant has been classified as Pathogenic.

NM_000051.4(ATM):c.8339T>C (p.Leu2780Pro)

Genes: ATM (ATM serine/threonine kinase; plus strand), C11orf65 (chromosome 11 open reading frame 65; minus strand). Cytogenetic location: 11q22.3.
Variant type: single nucleotide variant.
Coding change: c.8339T>C on transcript NM_000051.4 (MANE Select); coding-DNA position 8339, T replaced by C.
Protein change: p.Leu2780Pro; replaces leucine 2780 with proline.
Molecular consequence: missense variant. On other transcripts: intron variant (2).
Genome position (GRCh38, 1-based): chr11:108,343,292, T>C. VCF-style: chr11-108343292-T-C. GRCh37 (hg19) VCF-style: chr11-108214019-T-C.
Other names: c.8339T>C, p.Leu2780Pro (NM_001351834.2); c.641-34221A>G (NM_001330368.2); c.695-8000A>G (NM_001351110.2); short protein forms L2780P.
Identifiers: ClinVar variation 849553 (VCV000849553.10), dbSNP rs2087825562, ClinGen allele CA382516454.